The following is an entry in ClinVar:

ClinVar aggregate classification (germline): Pathogenic. Review status: criteria provided, multiple submitters, no conflicts (2 of 4 stars). 2 submissions from 2 submitters: Pathogenic (2). Last evaluated 2023-10-26.

Conditions:
Neurofibromatosis, type 1 (NF1). Also called: VON RECKLINGHAUSEN DISEASE; Peripheral type neurofibromatosis; Neurofibromatosis, type I; NEUROFIBROMATOSIS, TYPE I, SOMATIC. Identifiers: Orphanet 636, MedGen C0027831, MONDO:0018975, OMIM 162200. Disease mechanism: loss of function.

Submissions (2):

Labcorp Genetics (formerly Invitae), Labcorp
Classification: Pathogenic for Neurofibromatosis, type 1. Last evaluated: 2023-10-26. Review status: criteria provided, single submitter. Criteria: Invitae Variant Classification Sherloc (09022015). Collection method: clinical testing. Allele origin: germline.
Comment: This sequence change creates a premature translational stop signal (p.Asn1934Ilefs*2) in the NF1 gene. It is expected to result in an absent or disrupted protein product. Loss-of-function variants in NF1 are known to be pathogenic (PMID: 10712197, 23913538). This variant is not present in population databases (gnomAD no frequency). This variant has not been reported in the literature in individuals affected with NF1-related conditions. For these reasons, this variant has been classified as Pathogenic.

Clinical Genetics Service, Universitary Hospital 12 de Octubre
Classification: Pathogenic for Neurofibromatosis, type 1. Review status: criteria provided, single submitter. Criteria: ACMG Guidelines, 2015. Collection method: clinical testing. Allele origin: de novo. Affected: yes.

Literature cited by the submitters: PubMed 10712197 (cited by Labcorp Genetics (formerly Invitae), Labcorp); PubMed 23913538 (cited by Labcorp Genetics (formerly Invitae), Labcorp).

NM_001042492.3(NF1):c.5864del (p.Asn1955fs)

Gene: NF1 (neurofibromin 1; plus strand). Cytogenetic location: 17q11.2.
Variant type: Deletion.
Coding change: c.5864del on transcript NM_001042492.3 (MANE Select); coding-DNA position 5864, one base deleted (A; older notation c.5864delA).
Protein change: p.Asn1955fs; shifts the reading frame from asparagine 1955.
Molecular consequence: frameshift variant.
Genome position (GRCh38, 1-based): chr17:31,334,889, A deleted; the last of 3 consecutive A bases (chr17:31,334,887-31,334,889); deleting any one gives the same sequence. VCF-style (leftmost placement, unchanged base first): chr17-31334886-CA-C. GRCh37 (hg19) VCF-style: chr17-29661904-CA-C.
Other names: c.5801delA, p.Asn1934Ilefs (NM_000267.4); c.5864delA, p.Asn1955Ilefs (NM_001042492.2); c.5864del (NM_001042492.2); short protein forms N1934fs, N1955fs.
Identifiers: ClinVar variation 2771866 (VCV002771866.4), dbSNP rs2151550384, ClinGen allele CA2697559587.
Genomic context (GRCh38, chr17:31,334,886, plus strand): 5'-ATTTTTTTCCAGGTATTGAATTGAAACACCTTTGTTTGGAATACATGACTCCATGGCTGT[CA>C]AATCTAGTTCGTTTTTGCAAGCATAATGATGATGCCAAACGACAAAGAGTTACTGCTATT-3'